The following is an entry in ClinVar:

ClinVar aggregate classification (germline): Uncertain significance. Review status: criteria provided, multiple submitters, no conflicts (2 of 4 stars). 3 submissions from 3 submitters: Uncertain significance (3). Last evaluated 2025-11-24.

Conditions:
Jeune thoracic dystrophy. Also called: Infantile thoracic dystrophy; Thoracic pelvic phalangeal dystrophy; Jeune's syndrome; Chondroectodermal dysplasia-like syndrome; Jeune syndrome; Short-rib thoracic dysplasia. Identifiers: Orphanet 474, MedGen C0265275, MONDO:0018770.
Inborn genetic diseases. Identifiers: MedGen C0950123, MeSH D030342.

Allele frequency attached by ClinVar (database versions not stated): gnomAD exomes below 0.00001 and 0.00001; TOPMed 0.00001; ExAC 0.00002; gnomAD 0.00003.
gnomAD v4.1: 8 of 1,612,818 alleles (0.0005%); highest among the groups gnomAD compares: African/African-American, 0.004%; no homozygotes.

Submissions (3):

Ambry Genetics
Classification: Uncertain significance for Inborn genetic diseases. Last evaluated: 2025-11-24. Review status: criteria provided, single submitter. Criteria: Ambry Variant Classification Scheme 2023. Collection method: clinical testing. Allele origin: germline.

Labcorp Genetics (formerly Invitae), Labcorp
Classification: Uncertain significance for Jeune thoracic dystrophy. Last evaluated: 2022-07-29. Review status: criteria provided, single submitter. Criteria: Invitae Variant Classification Sherloc (09022015). Collection method: clinical testing. Allele origin: germline.
Comment: This sequence change replaces tyrosine, which is neutral and polar, with cysteine, which is neutral and slightly polar, at codon 800 of the DYNC2H1 protein (p.Tyr800Cys). This variant is present in population databases (rs776822327, gnomAD 0.007%). This variant has not been reported in the literature in individuals affected with DYNC2H1-related conditions. ClinVar contains an entry for this variant (Variation ID: 1336203). Advanced modeling of protein sequence and biophysical properties (such as structural, functional, and spatial information, amino acid conservation, physicochemical variation, residue mobility, and thermodynamic stability) performed at Invitae indicates that this missense variant is not expected to disrupt DYNC2H1 protein function. In summary, the available evidence is currently insufficient to determine the role of this variant in disease. Therefore, it has been classified as a Variant of Uncertain Significance.

Genetic Services Laboratory, University of Chicago
Classification: Uncertain significance. Last evaluated: 2017-08-15. Review status: criteria provided, single submitter. Criteria: ACMG Guidelines, 2015. Collection method: clinical testing. Allele origin: germline. Affected: no.

NM_001377.3(DYNC2H1):c.2399A>G (p.Tyr800Cys)

Gene: DYNC2H1 (dynein cytoplasmic 2 heavy chain 1; plus strand). Cytogenetic location: 11q22.3.
Variant type: single nucleotide variant.
Coding change: c.2399A>G on transcript NM_001377.3 (MANE Select); coding-DNA position 2399, A replaced by G.
Protein change: p.Tyr800Cys; replaces tyrosine 800 with cysteine.
Molecular consequence: missense variant.
Genome position (GRCh38, 1-based): chr11:103,135,773, A>G. VCF-style: chr11-103135773-A-G. GRCh37 (hg19) VCF-style: chr11-103006502-A-G.
Other names: c.2399A>G, p.Tyr800Cys (NM_001080463.2); short protein forms Y800C.
Identifiers: ClinVar variation 1336203 (VCV001336203.6), dbSNP rs776822327, ClinGen allele CA6253032.